The following is an entry in ClinVar:

ClinVar aggregate classification (germline): Conflicting classifications of pathogenicity. Review status: criteria provided, conflicting classifications (1 of 4 stars). 5 submissions from 5 submitters: Uncertain significance (3); Likely benign (2). Last evaluated 2026-01-27.

Conditions:
MSH6-related disorder. Also called: MSH6-related condition; MSH6-Related disorders.
Hereditary nonpolyposis colorectal neoplasms. Identifiers: MedGen C0009405, MeSH D003123.
Hereditary cancer-predisposing syndrome. Also called: Neoplastic Syndromes, Hereditary; Hereditary Cancer Syndrome; Tumor predisposition; Hereditary neoplastic syndrome. Identifiers: Orphanet 140162, MedGen C0027672, MeSH D009386, MONDO:0015356.
Lynch syndrome. Identifiers: Orphanet 144, MedGen C4552100, MONDO:0005835. Disease mechanism: loss of function.

Allele frequency attached by ClinVar (database versions not stated): gnomAD exomes below 0.00001; ExAC 0.00001.
gnomAD v4.1: 5 of 1,614,140 alleles (0.00031%); highest among the groups gnomAD compares: Non-Finnish European, 0.00042%; no homozygotes.

Submissions (5):

Labcorp Genetics (formerly Invitae), Labcorp
Classification: Likely benign for Hereditary nonpolyposis colorectal neoplasms. Last evaluated: 2026-01-27. Review status: criteria provided, single submitter. Criteria: Invitae Variant Classification Sherloc (09022015). Collection method: clinical testing. Allele origin: germline.

PreventionGenetics, part of Exact Sciences
Classification: Uncertain significance for MSH6-related condition. Last evaluated: 2025-12-19. Review status: criteria provided, single submitter. Criteria: ACMG Guidelines, 2015. Collection method: clinical testing. Allele origin: germline.
Comment: The MSH6 c.1961T>C variant is predicted to result in the amino acid substitution p.Met654Thr. To our knowledge, this variant has not been reported in the literature. This variant is reported in 0.00088% of alleles in individuals of European (non-Finnish) descent in gnomAD and has classifications ranging from likely benign to uncertain by other institutions in ClinVar (Variation ID: 491889). At this time, the clinical significance of this variant is uncertain due to the absence of conclusive functional and genetic evidence.

Color Diagnostics, LLC DBA Color Health
Classification: Uncertain significance for Hereditary cancer-predisposing syndrome. Last evaluated: 2025-12-08. Review status: criteria provided, single submitter. Criteria: ACMG Guidelines, 2015. Collection method: clinical testing. Allele origin: germline.
Comment: This missense variant replaces methionine with threonine at codon 654 of the MSH6 protein. Computational prediction suggests that this variant may not impact protein structure and function. To our knowledge, functional studies have not been reported for this variant. This variant has not been reported in individuals affected with MSH6-related disorders in the literature. This variant has been identified in 1/251186 chromosomes in the general population by the Genome Aggregation Database (gnomAD). The available evidence is insufficient to determine the role of this variant in disease conclusively. Therefore, this variant is classified as a Variant of Uncertain Significance.

Ambry Genetics
Classification: Likely benign for Hereditary cancer-predisposing syndrome. Last evaluated: 2023-11-21. Review status: criteria provided, single submitter. Criteria: Ambry Variant Classification Scheme 2023. Collection method: clinical testing. Allele origin: germline.

All of Us Research Program, National Institutes of Health
Classification: Uncertain significance for Lynch syndrome. Last evaluated: 2023-10-02. Review status: criteria provided, single submitter. Criteria: ACMG Guidelines, 2015. Collection method: clinical testing. Allele origin: germline. Inheritance: Autosomal dominant inheritance. Observed: 1 variant allele, 1 heterozygote.
Comment: This study involves interpretation of variants in research participants for the purpose of population health screening. Participant phenotype was not available at the time of variant classification. Additional details can be found in publication PMID: 35346344, PMCID: PMC8962531

NM_000179.3(MSH6):c.1961T>C (p.Met654Thr)

Gene: MSH6 (mutS homolog 6; plus strand). Cytogenetic location: 2p16.3.
Variant type: single nucleotide variant.
Coding change: c.1961T>C on transcript NM_000179.3 (MANE Select); coding-DNA position 1961, T replaced by C.
Protein change: p.Met654Thr; replaces methionine 654 with threonine.
Molecular consequence: missense variant.
Genome position (GRCh38, 1-based): chr2:47,799,944, T>C. VCF-style: chr2-47799944-T-C. GRCh37 (hg19) VCF-style: chr2-48027083-T-C.
Other names: c.1571T>C, p.Met524Thr (NM_001281492.2); c.1055T>C, p.Met352Thr (NM_001281493.2, NM_001281494.2); short protein forms M654T, M524T, M352T.
Identifiers: ClinVar variation 491889 (VCV000491889.18), dbSNP rs761433489, ClinGen allele CA068326.
Genomic context (GRCh38, chr2:47,799,944, plus strand): 5'-TGAGAACTCTCCTTGAGGAAGAATATTTTAGGGAAAAGCTAAGTGATGGCATTGGGGTGA[T>C]GTTACCCCAGGTGCTTAAAGGTATGACTTCAGAGTCTGATTCCATTGGGTTGACACCAGG-3'
Protein context (NP_000170.1, residues 644-664): REKLSDGIGV[Met654Thr]LPQVLKGMTS